The following is an entry in ClinVar:

NM_203447.4(DOCK8):c.15G>A (p.Pro5=)

Genes: DOCK8 (dedicator of cytokinesis 8; plus strand), DOCK8-AS1 (DOCK8 antisense RNA 1; minus strand), LOC130001437 (ATAC-STARR-seq lymphoblastoid silent region 19722; plus strand). Cytogenetic location: 9p24.3.
Variant type: single nucleotide variant.
Coding change: c.15G>A on transcript NM_203447.4 (MANE Select); coding-DNA position 15, G replaced by A.
Protein change: p.Pro5=; no amino-acid change (proline 5 retained).
Molecular consequence: synonymous variant. On other transcripts: non-coding transcript variant (1).
Genome position (GRCh38, 1-based): chr9:214,991, G>A. VCF-style: chr9-214991-G-A. GRCh37 (hg19) VCF-style: chr9-214991-G-A.
Identifiers: ClinVar variation 712348 (VCV000712348.35), dbSNP rs148276394, ClinGen allele CA4956905.

ClinVar aggregate classification (germline): Benign/Likely benign. Review status: criteria provided, multiple submitters, no conflicts (2 of 4 stars). 5 submissions from 5 submitters: Benign (1); Likely benign (3). 1 of the submissions does not count toward it. Last evaluated 2026-06-01.

Conditions:
DOCK8-related disorder. Also called: DOCK8-related condition.
Combined immunodeficiency due to DOCK8 deficiency (HIES2). Also called: DOCK8 Deficiency; HIES autosomal recessive; Hyper-IgE recurrent infection syndrome, autosomal recessive; HYPER-IgE RECURRENT INFECTION SYNDROME 2, AUTOSOMAL RECESSIVE; HYPER-IgE SYNDROME 2, AUTOSOMAL RECESSIVE, WITH RECURRENT INFECTIONS. Identifiers: Orphanet 217390, MedGen C4722305, MONDO:0009478, OMIM 243700.

Allele frequency attached by ClinVar (database versions not stated): ESP Exome Variant Server 0.00028; 1000 Genomes Project 30x 0.00031; TOPMed 0.00035; 1000 Genomes Project 0.00040; gnomAD 0.00188.
gnomAD v4.1: 709 of 1,597,620 alleles (0.044%); highest among the groups gnomAD compares: Non-Finnish European, 0.046%; 3 homozygotes.

Submissions (5):

CeGaT Center for Human Genetics Tuebingen
Classification: Likely benign. Last evaluated: 2026-06-01. Review status: criteria provided, single submitter. Criteria: CeGaT Center For Human Genetics Tuebingen Variant Classification Criteria Version 2. Collection method: clinical testing. Allele origin: germline. Affected: yes. Observed: 3 variant alleles.
Comment: DOCK8: BP4, BP7

Labcorp Genetics (formerly Invitae), Labcorp
Classification: Benign for Combined immunodeficiency due to DOCK8 deficiency. Last evaluated: 2026-01-31. Review status: criteria provided, single submitter. Criteria: Invitae Variant Classification Sherloc (09022015). Collection method: clinical testing. Allele origin: germline.

Laboratory of Genetics, Children's Clinical University Hospital Latvia
Classification: Likely benign. Last evaluated: 2025-02-16. Review status: criteria provided, single submitter. Criteria: ACMG Guidelines, 2015. Collection method: clinical testing. Allele origin: germline. Affected: yes.

Blueprint Genetics
Classification: Likely benign. Last evaluated: 2024-11-14. Review status: criteria provided, single submitter. Criteria: ACMG Guidelines, 2015. Collection method: clinical testing. Allele origin: germline.

PreventionGenetics, part of Exact Sciences
Classification: Likely benign for DOCK8-related condition. Last evaluated: 2020-03-17. Review status: no assertion criteria provided. Collection method: clinical testing. Allele origin: germline. Not counted in ClinVar's aggregate classification.
Comment: This variant is classified as likely benign based on ACMG/AMP sequence variant interpretation guidelines (Richards et al. 2015 PMID: 25741868, with internal and published modifications).